The following is an entry in ClinVar:

ClinVar aggregate classification (germline): Uncertain significance. Review status: criteria provided, multiple submitters, no conflicts (2 of 4 stars). 2 submissions from 2 submitters: Uncertain significance (2). Last evaluated 2022-09-27.

Conditions:
Congenital myasthenic syndrome 9. Also called: Myasthenic syndrome, congenital, 9, associated with acetylcholine receptor deficiency. Identifiers: Orphanet 590, MedGen C4225368, MONDO:0014587, OMIM 616325.
Fetal akinesia deformation sequence 1 (FADS1). Also called: Fetal akinesia sequence; Pena-Shokeir syndrome type I. Identifiers: Orphanet 994, MedGen C1276035, MONDO:0100101, OMIM 208150, HP:0001989.

Submissions (2):

Labcorp Genetics (formerly Invitae), Labcorp
Classification: Uncertain significance for Congenital myasthenic syndrome 9; Fetal akinesia deformation sequence 1. Last evaluated: 2022-09-27. Review status: criteria provided, single submitter. Criteria: Invitae Variant Classification Sherloc (09022015). Collection method: clinical testing. Allele origin: germline.
Comment: This sequence change replaces arginine, which is basic and polar, with threonine, which is neutral and polar, at codon 593 of the MUSK protein (p.Arg593Thr). This variant also falls at the last nucleotide of exon 13, which is part of the consensus splice site for this exon. This variant is not present in population databases (gnomAD no frequency). In summary, the available evidence is currently insufficient to determine the role of this variant in disease. Therefore, it has been classified as a Variant of Uncertain Significance. Variants that disrupt the consensus splice site are a relatively common cause of aberrant splicing (PMID: 17576681, 9536098). Algorithms developed to predict the effect of sequence changes on RNA splicing suggest that this variant may disrupt the consensus splice site. Algorithms developed to predict the effect of missense changes on protein structure and function (SIFT, PolyPhen-2, Align-GVGD) all suggest that this variant is likely to be disruptive. This variant has not been reported in the literature in individuals affected with MUSK-related conditions.

Revvity Omics, Revvity
Classification: Uncertain significance. Last evaluated: 2019-10-16. Review status: criteria provided, single submitter. Criteria: ACMG Guidelines, 2015. Collection method: clinical testing. Allele origin: germline.

Literature cited by the submitters: PubMed 17576681 (cited by Labcorp Genetics (formerly Invitae), Labcorp); PubMed 9536098 (cited by Labcorp Genetics (formerly Invitae), Labcorp).

NM_005592.4(MUSK):c.1778G>C (p.Arg593Thr)

Gene: MUSK (muscle associated receptor tyrosine kinase; plus strand). Cytogenetic location: 9q31.3.
Variant type: single nucleotide variant.
Coding change: c.1778G>C on transcript NM_005592.4 (MANE Select); coding-DNA position 1778, G replaced by C.
Protein change: p.Arg593Thr; replaces arginine 593 with threonine.
Molecular consequence: missense variant.
Genome position (GRCh38, 1-based): chr9:110,785,718, G>C. VCF-style: chr9-110785718-G-C. GRCh37 (hg19) VCF-style: chr9-113547998-G-C.
Other names: c.1778G>C (NM_005592.3); c.1520G>C, p.Arg507Thr (NM_001166280.2); c.1490G>C, p.Arg497Thr (NM_001166281.2); c.518G>C, p.Arg173Thr (NM_001369398.1); short protein forms R173T, R593T, R497T, R507T.
Identifiers: ClinVar variation 2197279 (VCV002197279.7), dbSNP rs2491153985, ClinGen allele CA374476009.
Genomic context (GRCh38, chr9:110,785,718, plus strand): 5'-ATAACATTGAATATGTGAGAGACATCGGAGAGGGAGCGTTTGGAAGGGTGTTTCAAGCAA[G>C]GTAAAGTTACCTATGGAAAAAAAAACTCCATTGAAATATGTTATGTCTGAAAAGCTACCA-3'
Protein context (NP_005583.1, residues 583-603): EGAFGRVFQA[Arg593Thr]APGLLPYEPF